The following is an entry in ClinVar:

ClinVar aggregate classification (germline): Uncertain significance (1 of 4 stars; one submission).

Allele frequency attached by ClinVar (database versions not stated): gnomAD exomes below 0.00001.
gnomAD v4.1: 1 of 1,609,880 alleles (0.000062%); highest among the groups gnomAD compares: South Asian, 0.0011%; no homozygotes.

Submission:

Labcorp Genetics (formerly Invitae), Labcorp
Classification: Uncertain significance. Last evaluated: 2024-01-11. Review status: criteria provided, single submitter. Criteria: Invitae Variant Classification Sherloc (09022015). Collection method: clinical testing. Allele origin: germline.
Comment: This sequence change replaces serine, which is neutral and polar, with phenylalanine, which is neutral and non-polar, at codon 598 of the MTOR protein (p.Ser598Phe). This variant is present in population databases (no rsID available, gnomAD 0.003%). This variant has not been reported in the literature in individuals affected with MTOR-related conditions. ClinVar contains an entry for this variant (Variation ID: 650454). Advanced modeling of protein sequence and biophysical properties (such as structural, functional, and spatial information, amino acid conservation, physicochemical variation, residue mobility, and thermodynamic stability) performed at Invitae indicates that this missense variant is not expected to disrupt MTOR protein function with a negative predictive value of 95%. In summary, the available evidence is currently insufficient to determine the role of this variant in disease. Therefore, it has been classified as a Variant of Uncertain Significance.

NM_004958.4(MTOR):c.1793C>T (p.Ser598Phe)

Gene: MTOR (mechanistic target of rapamycin kinase; minus strand). Cytogenetic location: 1p36.22.
Variant type: single nucleotide variant.
Coding change: c.1793C>T on transcript NM_004958.4 (MANE Select); coding-DNA position 1793, C replaced by T.
Protein change: p.Ser598Phe; replaces serine 598 with phenylalanine.
Molecular consequence: missense variant.
Genome position (GRCh38, 1-based): chr1:11,238,611, G>A on the plus strand (C>T on the coding strand, the complement: MTOR is on the minus strand). VCF-style: chr1-11238611-G-A. GRCh37 (hg19) VCF-style: chr1-11298668-G-A.
Other names: c.1793C>T (LRG_734t1); short protein forms S598F.
Identifiers: ClinVar variation 650454 (VCV000650454.10), dbSNP rs1395642010, ClinGen allele CA338390709.